The following is an entry in ClinVar:

ClinVar aggregate classification (germline): Conflicting classifications of pathogenicity. Review status: criteria provided, conflicting classifications (1 of 4 stars). 2 submissions from 2 submitters: Uncertain significance (1); Likely benign (1). Last evaluated 2022-09-17.

Conditions:
Pancreatic cancer, susceptibility to, 1. Identifiers: Orphanet 1333, MedGen C1847351, MONDO:0011739, OMIM 606856.

Allele frequency attached by ClinVar (database versions not stated): gnomAD exomes 0.00016; ExAC 0.00067; 1000 Genomes Project 0.00100; 1000 Genomes Project 30x 0.00141; gnomAD 0.00186; TOPMed 0.00207; ESP Exome Variant Server 0.00215.
gnomAD v4.1: 517 of 1,613,978 alleles (0.032%); highest among the groups gnomAD compares: African/African-American, 0.62%; 3 homozygotes.

Submissions (2):

Ambry Genetics
Classification: Uncertain significance. Last evaluated: 2022-09-17. Review status: criteria provided, single submitter. Criteria: Ambry Variant Classification Scheme 2023. Collection method: clinical testing. Allele origin: germline.
Comment: The p.S286G variant (also known as c.856A>G), located in coding exon 1 of the PALLD gene, results from an A to G substitution at nucleotide position 856. The serine at codon 286 is replaced by glycine, an amino acid with similar properties. This amino acid position is conserved. In addition, this alteration is predicted to be tolerated by in silico analysis. Since supporting evidence is limited at this time, the clinical significance of this alteration remains unclear.

Department of Pathology and Laboratory Medicine, Sinai Health System
Classification: Likely benign for Pancreatic cancer, susceptibility to, 1. Last evaluated: 2021-07-30. Review status: criteria provided, single submitter. Criteria: ACMG Guidelines, 2015. Collection method: research. Allele origin: germline.

NM_001166108.2(PALLD):c.856A>G (p.Ser286Gly)

Gene: PALLD (palladin, cytoskeletal associated protein; plus strand). Cytogenetic location: 4q32.3.
Variant type: single nucleotide variant.
Coding change: c.856A>G on transcript NM_001166108.2 (MANE Select); coding-DNA position 856, A replaced by G.
Protein change: p.Ser286Gly; replaces serine 286 with glycine.
Molecular consequence: missense variant.
Genome position (GRCh38, 1-based): chr4:168,512,360, A>G. VCF-style: chr4-168512360-A-G. GRCh37 (hg19) VCF-style: chr4-169433511-A-G.
Other names: c.856A>G, p.Ser286Gly (NM_016081.4); short protein forms S286G.
Identifiers: ClinVar variation 1763878 (VCV001763878.3), dbSNP rs116219738, ClinGen allele CA3135442.
Genomic context (GRCh38, chr4:168,512,360, plus strand): 5'-CACTTCCCAGCTGCACCTCGATTCATCCAAAAGCTGAGGAGCCAAGAAGTAGCAGAAGGG[A>G]GCCGAGTTTATCTGGAGTGTAGAGTCACTGGAAACCCCACTCCTCGAGTCAGGTATGAAT-3'
Protein context (NP_001159580.1, residues 276-296): KLRSQEVAEG[Ser286Gly]RVYLECRVTG